The following is an entry in ClinVar:

NM_004333.6(BRAF):c.1177+1621C>T

Gene: BRAF (B-Raf proto-oncogene, serine/threonine kinase; minus strand). Cytogenetic location: 7q34.
Variant type: single nucleotide variant.
Coding change: c.1177+1621C>T on transcript NM_004333.6 (MANE Select); 1621 bases into the intron after coding-DNA position 1177, C replaced by T.
Molecular consequence: intron variant.
Genome position (GRCh38, 1-based): chr7:140,785,927, G>A on the plus strand (C>T on the coding strand, the complement: BRAF is on the minus strand). VCF-style: chr7-140785927-G-A. GRCh37 (hg19) VCF-style: chr7-140485727-G-A.
Other names: c.1177+1621C>T (NM_001378474.1, NM_001378468.1, NM_001354609.2 and 1 more transcripts); c.1075+1621C>T (NM_001378470.1); c.913+1621C>T (NM_001378475.1); c.1141-2844C>T (NM_001378471.1); c.1178-119C>T (NM_001374258.1, NM_001374244.1); c.1186+1621C>T (NM_001378467.1); c.1021+1621C>T (NM_001378472.1, NM_001378473.1).
Identifiers: ClinVar variation 2658039 (VCV002658039.24), dbSNP rs551125352, ClinGen allele CA168093427.

ClinVar aggregate classification (germline): Likely benign (1 of 4 stars; one submission).

Allele frequency attached by ClinVar (database versions not stated): 1000 Genomes Project 30x 0.00016; 1000 Genomes Project 0.00020; gnomAD 0.00064; TOPMed 0.00069; gnomAD exomes 0.00090.
gnomAD v4.1: 315 of 395,104 alleles (0.08%); highest among the groups gnomAD compares: Non-Finnish European, 0.13%; no homozygotes.

Submission:

CeGaT Center for Human Genetics Tuebingen
Classification: Likely benign. Last evaluated: 2023-09-01. Review status: criteria provided, single submitter. Criteria: CeGaT Center For Human Genetics Tuebingen Variant Classification Criteria Version 2. Collection method: clinical testing. Allele origin: germline. Affected: yes. Observed: 2 variant alleles.
Comment: BRAF: BS1